The following is an entry in ClinVar:

ClinVar aggregate classification (germline): Uncertain significance (1 of 4 stars; one submission).

Conditions:
Dyskeratosis congenita, autosomal dominant 6 (DKCA6). Identifiers: Orphanet 3322, MedGen C4225284, MONDO:0014690, OMIM 616553.

Submission:

Labcorp Genetics (formerly Invitae), Labcorp
Classification: Uncertain significance for Dyskeratosis congenita, autosomal dominant 6. Last evaluated: 2025-10-12. Review status: criteria provided, single submitter. Criteria: Invitae Variant Classification Sherloc (09022015). Collection method: clinical testing. Allele origin: germline.
Comment: This sequence change replaces alanine, which is neutral and non-polar, with threonine, which is neutral and polar, at codon 408 of the ACD protein (p.Ala408Thr). This variant is not present in population databases (gnomAD no frequency). This variant has not been reported in the literature in individuals affected with ACD-related conditions. Invitae Evidence Modeling of protein sequence and biophysical properties (such as structural, functional, and spatial information, amino acid conservation, physicochemical variation, residue mobility, and thermodynamic stability) indicates that this missense variant is not expected to disrupt ACD protein function with a negative predictive value of 80%. In summary, the available evidence is currently insufficient to determine the role of this variant in disease. Therefore, it has been classified as a Variant of Uncertain Significance.

NM_001082486.2(ACD):c.964G>A (p.Ala322Thr)

Gene: ACD (ACD shelterin complex subunit and telomerase recruitment factor; minus strand). Cytogenetic location: 16q22.1.
Variant type: single nucleotide variant.
Coding change: c.964G>A on transcript NM_001082486.2 (MANE Select); coding-DNA position 964, G replaced by A.
Protein change: p.Ala322Thr; replaces alanine 322 with threonine.
Molecular consequence: missense variant.
Genome position (GRCh38, 1-based): chr16:67,658,228, C>T on the plus strand (G>A on the coding strand, the complement: ACD is on the minus strand). VCF-style: chr16-67658228-C-T. GRCh37 (hg19) VCF-style: chr16-67692131-C-T.
Other names: c.877G>A, p.Ala293Thr (NM_001410884.1); c.955G>A, p.Ala319Thr (NM_022914.3); short protein forms A319T, A293T, A322T.
Identifiers: ClinVar variation 4698642 (VCV004698642.1).